The following is an entry in ClinVar:

ClinVar aggregate classification (germline): Uncertain significance. Review status: criteria provided, multiple submitters, no conflicts (2 of 4 stars). 3 submissions from 3 submitters: Uncertain significance (3). Last evaluated 2026-02-19.

Conditions:
Cardiovascular phenotype. Identifiers: MedGen CN230736.
TTN-related disorder. Also called: TTN-related disorders; TTN-related condition; TTN-related disease.

Allele frequency attached by ClinVar (database versions not stated): gnomAD 0.00001; ExAC 0.00002.
gnomAD v4.1: 44 of 1,613,952 alleles (0.0027%); highest among the groups gnomAD compares: Admixed American, 0.01%; no homozygotes.

Submissions (3):

PreventionGenetics, part of Exact Sciences
Classification: Uncertain significance for TTN-related condition. Last evaluated: 2026-02-19. Review status: criteria provided, single submitter. Criteria: ACMG Guidelines, 2015. Collection method: clinical testing. Allele origin: germline.
Comment: The TTN c.3007C>T variant is predicted to result in the amino acid substitution p.Arg1003Cys. To our knowledge, this variant has not been reported in the literature. This variant is reported in 0.0054% of alleles in individuals of East Asian descent in gnomAD. At this time, the clinical significance of this variant is uncertain due to the absence of conclusive functional and genetic evidence.

Revvity Omics, Revvity
Classification: Uncertain significance. Last evaluated: 2020-10-24. Review status: criteria provided, single submitter. Criteria: ACMG Guidelines, 2015. Collection method: clinical testing. Allele origin: germline.

Ambry Genetics
Classification: Uncertain significance for Cardiovascular phenotype. Last evaluated: 2020-08-04. Review status: criteria provided, single submitter. Criteria: Ambry Variant Classification Scheme 2023. Collection method: clinical testing. Allele origin: germline.
Comment: The p.R957C variant (also known as c.2869C>T), located in coding exon 16 of the TTN gene, results from a C to T substitution at nucleotide position 2869. The arginine at codon 957 is replaced by cysteine, an amino acid with highly dissimilar properties. This amino acid position is highly conserved in available vertebrate species. In addition, this alteration is predicted to be deleterious by in silico analysis. Since supporting evidence is limited at this time, the clinical significance of this alteration remains unclear.

NM_001267550.2(TTN):c.3007C>T (p.Arg1003Cys)

Gene: TTN (titin; minus strand). Cytogenetic location: 2q31.2.
Variant type: single nucleotide variant.
Coding change: c.3007C>T on transcript NM_001267550.2 (MANE Select); coding-DNA position 3007, C replaced by T.
Protein change: p.Arg1003Cys; replaces arginine 1003 with cysteine.
Molecular consequence: missense variant.
Genome position (GRCh38, 1-based): chr2:178,782,899, G>A on the plus strand (C>T on the coding strand, the complement: TTN is on the minus strand). VCF-style: chr2-178782899-G-A. GRCh37 (hg19) VCF-style: chr2-179647626-G-A.
Other names: c.3007C>T, p.Arg1003Cys (NM_001256850.1, NM_133378.4, NM_133379.5); c.2869C>T, p.Arg957Cys (NM_003319.4, NM_133432.3, NM_133437.4); short protein forms R1003C, R957C.
Identifiers: ClinVar variation 1797020 (VCV001797020.6), dbSNP rs774551765, ClinGen allele CA2005668.